The following is an entry in ClinVar:

ClinVar aggregate classification (germline): Uncertain significance (1 of 4 stars; one submission).

Conditions:
CEP164-related disorder. Also called: CEP164-related condition.

Submission:

PreventionGenetics, part of Exact Sciences
Classification: Uncertain significance for CEP164-related condition. Last evaluated: 2025-03-20. Review status: criteria provided, single submitter. Criteria: ACMG Guidelines, 2015. Collection method: clinical testing. Allele origin: germline.
Comment: The CEP164 c.2960A>G variant is predicted to result in the amino acid substitution p.His987Arg. To our knowledge, this variant has not been reported in the literature or in a large population database (gnomAD), indicating this variant is rare. At this time, the clinical significance of this variant is uncertain due to the absence of conclusive functional and genetic evidence.

NM_014956.5(CEP164):c.2960A>G (p.His987Arg)

Gene: CEP164 (centrosomal protein 164; plus strand). Cytogenetic location: 11q23.3.
Variant type: single nucleotide variant.
Coding change: c.2960A>G on transcript NM_014956.5 (MANE Select); coding-DNA position 2960, A replaced by G.
Protein change: p.His987Arg; replaces histidine 987 with arginine.
Molecular consequence: missense variant.
Genome position (GRCh38, 1-based): chr11:117,395,593, A>G. VCF-style: chr11-117395593-A-G. GRCh37 (hg19) VCF-style: chr11-117266309-A-G.
Other names: c.2969A>G, p.His990Arg (NM_001271933.2, NM_001440949.1); c.2960A>G, p.His987Arg (NM_001440950.1, NM_001440951.1, NM_001440953.1); c.2795A>G, p.His932Arg (NM_001440952.1, NM_001440968.1, NM_001440969.1); c.2882A>G, p.His961Arg (NM_001440954.1, NM_001440955.1, NM_001440958.1 and 1 more transcripts); c.2873A>G, p.His958Arg (NM_001440956.1, NM_001440957.1); c.2831A>G, p.His944Arg (NM_001440960.1); c.2822A>G, p.His941Arg (NM_001440961.1, NM_001440967.1); c.2813A>G, p.His938Arg (NM_001440962.1, NM_001440963.1, NM_001440964.1 and 4 more transcripts); and 7 more; short protein forms H868R, H917R, H938R, H961R, H891R, H932R, H958R, H912R.
Identifiers: ClinVar variation 5001845 (VCV005001845.1).